The following is an entry in ClinVar:

ClinVar aggregate classification (germline): Uncertain significance (1 of 4 stars; one submission).

Allele frequency attached by ClinVar (database versions not stated): ExAC 0.00002; TOPMed 0.00002; gnomAD 0.00003; gnomAD exomes 0.00006; 1000 Genomes Project 30x 0.00016; 1000 Genomes Project 0.00020.
gnomAD v4.1: 94 of 1,614,240 alleles (0.0058%); highest among the groups gnomAD compares: East Asian, 0.21%; 1 homozygote.

Submission:

Women's Health and Genetics/Laboratory Corporation of America, LabCorp
Classification: Uncertain significance. Last evaluated: 2024-03-11. Review status: criteria provided, single submitter. Criteria: LabCorp Variant Classification Summary - May 2015. Collection method: clinical testing. Allele origin: germline.
Comment: Variant summary: ARHGAP31 c.2557G>C (p.Ala853Pro) results in a non-conservative amino acid change in the encoded protein sequence. Three of five in-silico tools predict a benign effect of the variant on protein function. The variant allele was found at a frequency of 1.2e-05 in 249474 control chromosomes (gnomAD). The available data on variant occurrences in the general population are insufficient to allow any conclusion about variant significance. To our knowledge, no occurrence of c.2557G>C in individuals affected with Adams-Oliver Syndrome 1 and no experimental evidence demonstrating its impact on protein function have been reported. No submitters have cited clinical-significance assessments for this variant to ClinVar. Based on the evidence outlined above, the variant was classified as uncertain significance.

NM_020754.4(ARHGAP31):c.2557G>C (p.Ala853Pro)

Gene: ARHGAP31 (Rho GTPase activating protein 31; plus strand). Cytogenetic location: 3q13.33.
Variant type: single nucleotide variant.
Coding change: c.2557G>C on transcript NM_020754.4 (MANE Select); coding-DNA position 2557, G replaced by C.
Protein change: p.Ala853Pro; replaces alanine 853 with proline.
Molecular consequence: missense variant.
Genome position (GRCh38, 1-based): chr3:119,414,486, G>C. VCF-style: chr3-119414486-G-C. GRCh37 (hg19) VCF-style: chr3-119133333-G-C.
Other names: short protein forms A853P.
Identifiers: ClinVar variation 3233506 (VCV003233506.2), dbSNP rs147162240, ClinGen allele CA2554062.
Genomic context (GRCh38, chr3:119,414,486, plus strand): 5'-CTCTGTCAGGGAGAGGAGGCAACCCCAAGACACAGTGACAAGCAAAATTCAAAGAATGCT[G>C]CTTCTGAGGGGAAAGGCTGTGGTTTTCCAAGCCCAACCAGGGAGGTTGAGATCGTCTCAC-3'
Protein context (NP_065805.2, residues 843-863): HSDKQNSKNA[Ala853Pro]SEGKGCGFPS